The following is an entry in ClinVar:

ClinVar aggregate classification (germline): Likely pathogenic (1 of 4 stars; one submission).

Conditions:
Hereditary spastic paraplegia 74. Also called: Spastic paraplegia 74, autosomal recessive. Identifiers: Orphanet 468661, MedGen C5568837, MONDO:0014644, OMIM 616451.
Multiple mitochondrial dysfunctions syndrome 3 (MMDS3). Identifiers: Orphanet 363424, MedGen C3809165, MONDO:0014132, OMIM 615330.

Submission:

Labcorp Genetics (formerly Invitae), Labcorp
Classification: Likely pathogenic for Multiple mitochondrial dysfunctions syndrome 3; Hereditary spastic paraplegia 74. Last evaluated: 2023-03-08. Review status: criteria provided, single submitter. Criteria: Invitae Variant Classification Sherloc (09022015). Collection method: clinical testing. Allele origin: germline.
Comment: This sequence change affects a donor splice site in intron 1 of the IBA57 gene. It is expected to disrupt RNA splicing. Variants that disrupt the donor or acceptor splice site typically lead to a loss of protein function (PMID: 16199547), and loss-of-function variants in IBA57 are known to be pathogenic (PMID: 23462291, 25971455, 27785568, 28671726). This variant is not present in population databases (gnomAD no frequency). This variant has not been reported in the literature in individuals affected with IBA57-related conditions. Algorithms developed to predict the effect of sequence changes on RNA splicing suggest that this variant may disrupt the consensus splice site. In summary, the currently available evidence indicates that the variant is pathogenic, but additional data are needed to prove that conclusively. Therefore, this variant has been classified as Likely Pathogenic.

Literature cited by the submitters: PubMed 16199547; PubMed 23462291; PubMed 25971455; PubMed 27785568; PubMed 28671726.

NM_001010867.4(IBA57):c.341+2T>G

Gene: IBA57 (iron-sulfur cluster assembly factor IBA57; plus strand). Cytogenetic location: 1q42.13.
Variant type: single nucleotide variant.
Coding change: c.341+2T>G on transcript NM_001010867.4 (MANE Select); the canonical splice donor site of the intron after coding-DNA position 341, T replaced by G.
Molecular consequence: splice donor variant.
Genome position (GRCh38, 1-based): chr1:228,166,159, T>G. VCF-style: chr1-228166159-T-G. GRCh37 (hg19) VCF-style: chr1-228353860-T-G.
Identifiers: ClinVar variation 2940344 (VCV002940344.3), dbSNP rs1202432368, ClinGen allele CA345106951.